The following is an entry in ClinVar:

NM_000271.5(NPC1):c.3203C>T (p.Thr1068Ile)

Gene: NPC1 (NPC intracellular cholesterol transporter 1; minus strand). Cytogenetic location: 18q11.2.
Variant type: single nucleotide variant.
Coding change: c.3203C>T on transcript NM_000271.5 (MANE Select); coding-DNA position 3203, C replaced by T.
Protein change: p.Thr1068Ile; replaces threonine 1068 with isoleucine.
Molecular consequence: missense variant.
Genome position (GRCh38, 1-based): chr18:23,536,715, G>A on the plus strand (C>T on the coding strand, the complement: NPC1 is on the minus strand). VCF-style: chr18-23536715-G-A. GRCh37 (hg19) VCF-style: chr18-21116679-G-A.
Other names: p.Thr1068Ile; short protein forms T1068I.
Identifiers: ClinVar variation 1329775 (VCV001329775.20), dbSNP rs754323286, ClinGen allele CA8912841.

ClinVar aggregate classification (germline): Conflicting classifications of pathogenicity. Review status: criteria provided, conflicting classifications (1 of 4 stars). 9 submissions from 9 submitters: Likely pathogenic (1); Uncertain significance (8). Last evaluated 2025-09-23.

Conditions:
NPC1-related disorder. Also called: NPC1-related condition.
Russell-Silver syndrome. Identifiers: Orphanet 813, MedGen C0175693, MONDO:0008394.
Inborn genetic diseases. Identifiers: MedGen C0950123, MeSH D030342.
Niemann-Pick disease, type C1. Also called: NEUROVISCERAL STORAGE DISEASE WITH VERTICAL SUPRANUCLEAR OPHTHALMOPLEGIA; NIEMANN-PICK DISEASE WITH CHOLESTEROL ESTERIFICATION BLOCK; NIEMANN-PICK DISEASE WITHOUT SPHINGOMYELINASE DEFICIENCY; NIEMANN-PICK DISEASE, CHRONIC NEURONOPATHIC FORM; NIEMANN-PICK DISEASE, VARIANT TYPE C1. Identifiers: Orphanet 646, MedGen C3179455, MONDO:0009757, OMIM 257220.

gnomAD v4.1: 120 of 1,614,090 alleles (0.0074%); highest among the groups gnomAD compares: Non-Finnish European, 0.01%; 1 homozygote.

Submissions (9):

PreventionGenetics, part of Exact Sciences
Classification: Uncertain significance for NPC1-related condition. Last evaluated: 2025-09-23. Review status: criteria provided, single submitter. Criteria: ACMG Guidelines, 2015. Collection method: clinical testing. Allele origin: germline.
Comment: The NPC1 c.3203C>T variant is predicted to result in the amino acid substitution p.Thr1068Ile. This variant was reported in the compound heterozygous state in an individual with Niemann Pick type C (Table 1, Koens LH et al 2016. PubMed ID: 27581084). This variant is reported in 0.011% of alleles in individuals of European (Non-Finnish) descent in gnomAD. At this time, the clinical significance of this variant is uncertain due to the absence of conclusive functional and genetic evidence.

Myriad Genetics, Inc.
Classification: Uncertain significance for Niemann-Pick disease, type C1. Last evaluated: 2025-08-04. Review status: criteria provided, single submitter. Criteria: Myriad Autosomal Dominant, Autosomal Recessive and X-Linked Classification Criteria (2023). Collection method: clinical testing. Allele origin: unknown.
Comment: NM_000271.4(NPC1):c.3203C>T(T1068I) is a missense variant classified as a variant of uncertain significance in the context of Niemann-Pick disease type C1. T1068I has been observed in a case with relevant disease (PMID: 27581084). Relevant functional assessments of this variant are not available in the literature. T1068I has been observed in referenced population frequency databases. In summary, there is insufficient evidence to classify NM_000271.4(NPC1):c.3203C>T(T1068I) as pathogenic or benign. Please note: this variant was assessed in the context of healthy population screening.

CeGaT Center for Human Genetics Tuebingen
Classification: Likely pathogenic. Last evaluated: 2025-05-01. Review status: criteria provided, single submitter. Criteria: CeGaT Center For Human Genetics Tuebingen Variant Classification Criteria Version 2. Collection method: clinical testing. Allele origin: germline. Affected: yes. Observed: 1 variant allele.
Comment: NPC1: PM2, PM3, PP4:Moderate

Labcorp Genetics (formerly Invitae), Labcorp
Classification: Uncertain significance for Niemann-Pick disease, type C1. Last evaluated: 2024-09-16. Review status: criteria provided, single submitter. Criteria: Invitae Variant Classification Sherloc (09022015). Collection method: clinical testing. Allele origin: germline.
Comment: This sequence change replaces threonine, which is neutral and polar, with isoleucine, which is neutral and non-polar, at codon 1068 of the NPC1 protein (p.Thr1068Ile). This variant is present in population databases (rs754323286, gnomAD 0.01%). This missense change has been observed in individual(s) with NPC1-related conditions (PMID: 27581084). ClinVar contains an entry for this variant (Variation ID: 1329775). Invitae Evidence Modeling of protein sequence and biophysical properties (such as structural, functional, and spatial information, amino acid conservation, physicochemical variation, residue mobility, and thermodynamic stability) has been performed for this missense variant. However, the output from this modeling did not meet the statistical confidence thresholds required to predict the impact of this variant on NPC1 protein function. In summary, the available evidence is currently insufficient to determine the role of this variant in disease. Therefore, it has been classified as a Variant of Uncertain Significance.

Ambry Genetics
Classification: Uncertain significance for Inborn genetic diseases. Last evaluated: 2024-02-14. Review status: criteria provided, single submitter. Criteria: Ambry Variant Classification Scheme 2023. Collection method: clinical testing. Allele origin: germline.

Mayo Clinic Laboratories, Mayo Clinic
Classification: Uncertain significance. Last evaluated: 2023-06-22. Review status: criteria provided, single submitter. Criteria: ACMG Guidelines, 2015. Collection method: clinical testing. Allele origin: germline. Observed: 1 variant allele.

GeneDx
Classification: Uncertain significance. Last evaluated: 2021-12-06. Review status: criteria provided, single submitter. Criteria: GeneDx Variant Classification Process June 2021. Collection method: clinical testing. Allele origin: germline. Affected: yes.
Comment: Not observed at significant frequency in large population cohorts (Lek et al., 2016); In silico analysis supports that this missense variant has a deleterious effect on protein structure/function; Has not been previously published as pathogenic or benign to our knowledge; This variant is associated with the following publications: (PMID: 28784760)

Cambridge Genomics Laboratory, East Genomic Laboratory Hub, NHS Genomic Medicine Service
Classification: Uncertain significance for Russell-Silver syndrome. Last evaluated: 2020-04-02. Review status: criteria provided, single submitter. Criteria: ACGS Best Practice Guidelines for Variant Classification in Rare Disease 2020. Collection method: clinical testing. Allele origin: germline. Affected: yes. Observed: 1 variant allele.

Breakthrough Genomics
Classification: Uncertain significance. Review status: criteria provided, single submitter. Criteria: ACMG Guidelines, 2015. Collection method: not provided. Allele origin: germline. Inheritance: Autosomal recessive inheritance. Affected: yes.

Literature cited by the submitters: PubMed 27581084 (cited by 3 submitters).